The following is an entry in ClinVar:

NM_173842.3(IL1RN):c.249G>A (p.Leu83=)

Gene: IL1RN (interleukin 1 receptor antagonist; plus strand). Cytogenetic location: 2q14.1.
Variant type: single nucleotide variant.
Coding change: c.249G>A on transcript NM_173842.3 (MANE Select); coding-DNA position 249, G replaced by A.
Protein change: p.Leu83=; no amino-acid change (leucine 83 retained).
Molecular consequence: synonymous variant.
Genome position (GRCh38, 1-based): chr2:113,131,088, G>A. VCF-style: chr2-113131088-G-A. GRCh37 (hg19) VCF-style: chr2-113888665-G-A.
Other names: c.195G>A, p.Leu65= (NM_000577.5); c.147G>A, p.Leu49= (NM_001318914.2, NM_001379360.1, NM_173843.3); c.258G>A, p.Leu86= (NM_173841.3).
Identifiers: ClinVar variation 1054720 (VCV001054720.6), dbSNP rs1292754474, ClinGen allele CA428306809.

ClinVar aggregate classification (germline): Uncertain significance (1 of 4 stars; one submission).

Conditions:
Sterile multifocal osteomyelitis with periostitis and pustulosis. Also called: CHRONIC RECURRENT MULTIFOCAL OSTEOMYELITIS 2, WITH PERIOSTITIS AND PUSTULOSIS. Identifiers: Orphanet 210115, MedGen C2748507, MONDO:0013021, OMIM 612852.

Allele frequency attached by ClinVar (database versions not stated): TOPMed 0.00001.
gnomAD v4.1: 1 of 1,613,834 alleles (0.000062%); highest among the groups gnomAD compares: Admixed American, 0.0017%; no homozygotes.

Submission:

Labcorp Genetics (formerly Invitae), Labcorp
Classification: Uncertain significance for Sterile multifocal osteomyelitis with periostitis and pustulosis. Last evaluated: 2022-07-17. Review status: criteria provided, single submitter. Criteria: Invitae Variant Classification Sherloc (09022015). Collection method: clinical testing. Allele origin: germline.
Comment: This sequence change affects codon 86 of the IL1RN mRNA. It is a 'silent' change, meaning that it does not change the encoded amino acid sequence of the IL1RN protein. This variant is present in population databases (no rsID available, gnomAD 0.003%). This variant has not been reported in the literature in individuals affected with IL1RN-related conditions. ClinVar contains an entry for this variant (Variation ID: 1054720). Algorithms developed to predict the effect of sequence changes on RNA splicing suggest that this variant may disrupt the consensus splice site. In summary, the available evidence is currently insufficient to determine the role of this variant in disease. Therefore, it has been classified as a Variant of Uncertain Significance.